The following is an entry in ClinVar:

NM_001005361.3(DNM2):c.2606T>C (p.Leu869Pro)

Gene: DNM2 (dynamin 2; plus strand). Cytogenetic location: 19p13.2.
Variant type: single nucleotide variant.
Coding change: c.2606T>C on transcript NM_001005361.3 (MANE Select); coding-DNA position 2606, T replaced by C.
Protein change: p.Leu869Pro; replaces leucine 869 with proline.
Molecular consequence: missense variant.
Genome position (GRCh38, 1-based): chr19:10,831,040, T>C. VCF-style: chr19-10831040-T-C. GRCh37 (hg19) VCF-style: chr19-10941716-T-C.
Other names: c.2606T>C, p.Leu869Pro (NM_001005360.3); c.2594T>C, p.Leu865Pro (NM_001005362.3, NM_004945.4); c.2603T>C, p.Leu868Pro (NM_001190716.2); short protein forms L865P, L868P, L869P.
Identifiers: ClinVar variation 940779 (VCV000940779.12), dbSNP rs1703984974, ClinGen allele CA404044680.

ClinVar aggregate classification (germline): Uncertain significance. Review status: criteria provided, multiple submitters, no conflicts (2 of 4 stars). 2 submissions from 2 submitters: Uncertain significance (2). Last evaluated 2019-08-24.

Conditions:
Charcot-Marie-Tooth disease dominant intermediate B (CMTDIB). Also called: CHARCOT-MARIE-TOOTH NEUROPATHY, DOMINANT INTERMEDIATE B; Charcot-Marie-Tooth disease dominant intermediate 1; CMT DI1; Charcot-Marie-Tooth disease dominant intermediate I. Identifiers: Orphanet 100044, Orphanet 228179, MedGen C1847902, MONDO:0011674, OMIM 606482.

Allele frequency attached by ClinVar (database versions not stated): gnomAD exomes below 0.00001; TOPMed below 0.00001.
gnomAD v4.1: 1 of 1,607,498 alleles (0.000062%); highest among the groups gnomAD compares: Non-Finnish European, 0.000085%; no homozygotes.

Submissions (2):

Labcorp Genetics (formerly Invitae), Labcorp
Classification: Uncertain significance for Charcot-Marie-Tooth disease dominant intermediate B. Last evaluated: 2019-08-24. Review status: criteria provided, single submitter. Criteria: Invitae Variant Classification Sherloc (09022015). Collection method: clinical testing. Allele origin: germline.
Comment: In summary, the available evidence is currently insufficient to determine the role of this variant in disease. Therefore, it has been classified as a Variant of Uncertain Significance. This variant has not been reported in the literature in individuals with DNM2-related conditions. This variant is not present in population databases (ExAC no frequency). This sequence change replaces leucine with proline at codon 869 of the DNM2 protein (p.Leu869Pro). The leucine residue is moderately conserved and there is a moderate physicochemical difference between leucine and proline.

Revvity Omics, Revvity
Classification: Uncertain significance. Last evaluated: 2019-05-07. Review status: criteria provided, single submitter. Criteria: ACMG Guidelines, 2015. Collection method: clinical testing. Allele origin: germline.